The following is an entry in ClinVar:

ClinVar aggregate classification (germline): Uncertain significance. Review status: criteria provided, multiple submitters, no conflicts (2 of 4 stars). 2 submissions from 2 submitters: Uncertain significance (2). Last evaluated 2024-10-29.

Allele frequency attached by ClinVar (database versions not stated): gnomAD exomes 0.00001 and 0.00005; ExAC 0.00007; 1000 Genomes Project 30x 0.00016; gnomAD 0.00016 and 0.00017; TOPMed 0.00019; 1000 Genomes Project 0.00020; ESP Exome Variant Server 0.00062.
gnomAD v4.1: 45 of 1,613,870 alleles (0.0028%); highest among the groups gnomAD compares: African/African-American, 0.051%; no homozygotes.

Submissions (2):

Labcorp Genetics (formerly Invitae), Labcorp
Classification: Uncertain significance. Last evaluated: 2024-10-29. Review status: criteria provided, single submitter. Criteria: Invitae Variant Classification Sherloc (09022015). Collection method: clinical testing. Allele origin: germline.
Comment: This sequence change replaces serine, which is neutral and polar, with glycine, which is neutral and non-polar, at codon 92 of the TTLL5 protein (p.Ser92Gly). This variant is present in population databases (rs149084771, gnomAD 0.06%). This variant has not been reported in the literature in individuals affected with TTLL5-related conditions. ClinVar contains an entry for this variant (Variation ID: 1046378). Invitae Evidence Modeling of protein sequence and biophysical properties (such as structural, functional, and spatial information, amino acid conservation, physicochemical variation, residue mobility, and thermodynamic stability) indicates that this missense variant is not expected to disrupt TTLL5 protein function with a negative predictive value of 80%. In summary, the available evidence is currently insufficient to determine the role of this variant in disease. Therefore, it has been classified as a Variant of Uncertain Significance.

Blueprint Genetics
Classification: Uncertain significance. Last evaluated: 2018-09-26. Review status: criteria provided, single submitter. Criteria: ACMG Guidelines, 2015. Collection method: clinical testing. Allele origin: germline.

NM_015072.5(TTLL5):c.274A>G (p.Ser92Gly)

Gene: TTLL5 (tubulin tyrosine ligase like 5; plus strand). Cytogenetic location: 14q24.3.
Variant type: single nucleotide variant.
Coding change: c.274A>G on transcript NM_015072.5 (MANE Select); coding-DNA position 274, A replaced by G.
Protein change: p.Ser92Gly; replaces serine 92 with glycine.
Molecular consequence: missense variant.
Genome position (GRCh38, 1-based): chr14:75,683,559, A>G. VCF-style: chr14-75683559-A-G. GRCh37 (hg19) VCF-style: chr14-76149902-A-G.
Other names: short protein forms S92G.
Identifiers: ClinVar variation 1046378 (VCV001046378.9), dbSNP rs149084771, ClinGen allele CA7278876.